The following is an entry in ClinVar:

NM_000885.6(ITGA4):c.2539-10G>T

Gene: ITGA4 (integrin subunit alpha 4; plus strand). Cytogenetic location: 2q31.3.
Variant type: single nucleotide variant.
Coding change: c.2539-10G>T on transcript NM_000885.6 (MANE Select); 10 bases into the intron before coding-DNA position 2539, G replaced by T.
Molecular consequence: intron variant.
Genome position (GRCh38, 1-based): chr2:181,530,514, G>T. VCF-style: chr2-181530514-G-T. GRCh37 (hg19) VCF-style: chr2-182395241-G-T.
Other names: NC_000002.11:g.182395241G>T.
Identifiers: ClinVar variation 730668 (VCV000730668.6), dbSNP rs188125632, ClinGen allele CA2010019.
Genomic context (GRCh38, chr2:181,530,514, plus strand): 5'-AACCAGGTTGCTTTTTGCTGTTTTTTCCAGTGTTGAAAGATAAGATTTCTCTTGCTTTCT[G>T]TCTTCATAGACTACTACTGGAGAATGCCACTTTGAAAATTATCAAAGAGTGTGTGCATTA-3'

ClinVar aggregate classification (germline): Benign. Review status: criteria provided, single submitter (1 of 4 stars). 2 submissions from 2 submitters: Benign (1). 1 of the submissions does not count toward it. Last evaluated 2018-06-14.

Conditions:
ITGA4-related disorder. Also called: ITGA4-related condition.

Allele frequency attached by ClinVar (database versions not stated): gnomAD exomes 0.00075; ExAC 0.00089; gnomAD 0.00307 and 0.00327; ESP Exome Variant Server 0.00312; 1000 Genomes Project 0.00319; 1000 Genomes Project 30x 0.00328; TOPMed 0.00351.

Submissions (5):

Labcorp Genetics (formerly Invitae), Labcorp
Classification: Benign. Last evaluated: 2018-06-14. Review status: criteria provided, single submitter. Criteria: Invitae Variant Classification Sherloc (09022015). Collection method: clinical testing. Allele origin: germline.

PreventionGenetics, part of Exact Sciences
Classification: Benign for ITGA4-related condition. Last evaluated: 2019-09-11. Review status: no assertion criteria provided. Collection method: clinical testing. Allele origin: germline. Not counted in ClinVar's aggregate classification.
Comment: This variant is classified as benign based on ACMG/AMP sequence variant interpretation guidelines (Richards et al. 2015 PMID: 25741868, with internal and published modifications).

Dr. Peter K. Rogan Lab, Western University
No classification provided (evidence only). Condition: Familial cancer of breast. Review status: no classification provided. Collection method: in vitro. Allele origin: not applicable. Functional consequence: retained intron. Not counted in ClinVar's aggregate classification.

Dr. Peter K. Rogan Lab, Western University
No classification provided (evidence only). Condition: Uterine corpus endometrial carcinoma. Review status: no classification provided. Collection method: in vitro. Allele origin: not applicable. Functional consequence: retained intron. Not counted in ClinVar's aggregate classification.

Dr. Peter K. Rogan Lab, Western University
No classification provided (evidence only). Condition: Uterine corpus endometrial carcinoma. Review status: no classification provided. Collection method: in vitro. Allele origin: not applicable. Functional consequence: retained intron. Not counted in ClinVar's aggregate classification.